The following is an entry in ClinVar:

ClinVar aggregate classification (germline): Uncertain significance (1 of 4 stars; one submission).

Allele frequency attached by ClinVar (database versions not stated): gnomAD 0.00001; TOPMed 0.00001; gnomAD exomes 0.00001.
gnomAD v4.1: 18 of 1,614,052 alleles (0.0011%); highest among the groups gnomAD compares: Non-Finnish European, 0.0014%; no homozygotes.

Submission:

Labcorp Genetics (formerly Invitae), Labcorp
Classification: Uncertain significance. Last evaluated: 2025-12-23. Review status: criteria provided, single submitter. Criteria: Invitae Variant Classification Sherloc (09022015). Collection method: clinical testing. Allele origin: germline.
Comment: This sequence change replaces glutamine, which is neutral and polar, with arginine, which is basic and polar, at codon 713 of the CFB protein (p.Gln713Arg). This variant is present in population databases (no rsID available, gnomAD 0.002%). This variant has not been reported in the literature in individuals affected with CFB-related conditions. ClinVar contains an entry for this variant (Variation ID: 2998856). An algorithm developed to predict the effect of missense changes on protein structure and function (PolyPhen-2) suggests that this variant is likely to be disruptive. Algorithms developed to predict the effect of sequence changes on RNA splicing suggest that this variant may create or strengthen a splice site. In summary, the available evidence is currently insufficient to determine the role of this variant in disease. Therefore, it has been classified as a Variant of Uncertain Significance.

NM_001710.6(CFB):c.2138A>G (p.Gln713Arg)

Gene: CFB (complement factor B; plus strand). Cytogenetic location: 6p21.33.
Variant type: single nucleotide variant.
Coding change: c.2138A>G on transcript NM_001710.6 (MANE Select); coding-DNA position 2138, A replaced by G.
Protein change: p.Gln713Arg; replaces glutamine 713 with arginine.
Molecular consequence: missense variant.
Genome position (GRCh38, 1-based): chr6:31,951,603, A>G. VCF-style: chr6-31951603-A-G. GRCh37 (hg19) VCF-style: chr6-31919380-A-G.
Other names: short protein forms Q713R.
Identifiers: ClinVar variation 2998856 (VCV002998856.3), dbSNP rs919108211, ClinGen allele CA136898663.